The following is an entry in ClinVar:

ClinVar aggregate classification (germline): Uncertain significance (1 of 4 stars; one submission).

Conditions:
SCN9A-related disorder. Also called: SCN9A-related disorders; SCN9A-related condition.

Submission:

PreventionGenetics, part of Exact Sciences
Classification: Uncertain significance for SCN9A-related condition. Last evaluated: 2025-04-03. Review status: criteria provided, single submitter. Criteria: ACMG Guidelines, 2015. Collection method: clinical testing. Allele origin: germline.
Comment: The SCN9A c.5524A>T variant is predicted to result in the amino acid substitution p.Ser1842Cys. To our knowledge, this variant has not been reported in the literature or in a large population database (gnomAD), indicating this variant is rare. At this time, the clinical significance of this variant is uncertain due to the absence of conclusive functional and genetic evidence.

NM_001365536.1(SCN9A):c.5557A>T (p.Ser1853Cys)

Genes: SCN1A-AS1 (SCN1A and SCN9A antisense RNA 1; plus strand), SCN9A (sodium voltage-gated channel alpha subunit 9; minus strand). Cytogenetic location: 2q24.3.
Variant type: single nucleotide variant.
Coding change: c.5557A>T on transcript NM_001365536.1 (MANE Select); coding-DNA position 5557, A replaced by T.
Protein change: p.Ser1853Cys; replaces serine 1853 with cysteine.
Molecular consequence: missense variant.
Genome position (GRCh38, 1-based): chr2:166,199,082, T>A on the plus strand (A>T on the coding strand, the complement: SCN9A is on the minus strand). VCF-style: chr2-166199082-T-A. GRCh37 (hg19) VCF-style: chr2-167055592-T-A.
Other names: c.5524A>T, p.Ser1842Cys (NM_002977.4); short protein forms S1853C, S1842C.
Identifiers: ClinVar variation 5001788 (VCV005001788.1).